The following is an entry in ClinVar:

ClinVar aggregate classification (germline): Benign/Likely benign. Review status: criteria provided, multiple submitters, no conflicts (2 of 4 stars). 6 submissions from 5 submitters: Benign (5); Likely benign (1). Last evaluated 2024-11-27.

Conditions:
Papillon-Lefèvre syndrome (PALS). Also called: Papillon-Lefevre Disease; KERATOSIS PALMOPLANTARIS WITH PERIODONTOPATHIA. Identifiers: Orphanet 678, MedGen C0030360, MONDO:0009490, OMIM 245000.
Haim-Munk syndrome (HMS). Also called: COCHIN JEWISH DISORDER; KERATOSIS PALMOPLANTARIS WITH PERIODONTOPATHIA AND ONYCHOGRYPOSIS. Identifiers: Orphanet 2342, MedGen C1855627, MONDO:0009491, OMIM 245010.

Allele frequency attached by ClinVar (database versions not stated): 1000 Genomes Project 0.05112; 1000 Genomes Project 30x 0.05403; gnomAD exomes 0.07149 and 0.08669; ESP Exome Variant Server 0.08529; gnomAD 0.08761 and 0.09158; TOPMed 0.09039; ExAC 0.10305.
gnomAD v4.1: 135,017 of 1,561,084 alleles (8.6%); highest among the groups gnomAD compares: African/African-American, 10%; 6,255 homozygotes.

Submissions (6):

Blueprint Genetics
Classification: Likely benign. Last evaluated: 2024-11-27. Review status: criteria provided, single submitter. Criteria: ACMG Guidelines, 2015. Collection method: clinical testing. Allele origin: germline.

Illumina Laboratory Services, Illumina
Classification: Benign for Haim-Munk syndrome. Last evaluated: 2018-01-12. Review status: criteria provided, single submitter. Criteria: ICSL Variant Classification Criteria 13 December 2019. Collection method: clinical testing. Allele origin: germline.
Comment: This variant was observed in the ICSL laboratory as part of a predisposition screen in an ostensibly healthy population. It had not been previously curated by ICSL or reported in the Human Gene Mutation Database (HGMD: prior to June 1st, 2018), and was therefore a candidate for classification through an automated scoring system. Utilizing variant allele frequency, disease prevalence and penetrance estimates, and inheritance mode, an automated score was calculated to assess if this variant is too frequent to cause the disease. Based on the score and internal cut-off values, a variant classified as benign is not then subjected to further curation. The score for this variant resulted in a classification of benign for this disease.

Illumina Laboratory Services, Illumina
Classification: Benign for Papillon-Lefèvre syndrome. Last evaluated: 2018-01-12. Review status: criteria provided, single submitter. Criteria: ICSL Variant Classification Criteria 13 December 2019. Collection method: clinical testing. Allele origin: germline.
Comment: the same text as in the submission from Illumina Laboratory Services, Illumina above.

GeneDx
Classification: Benign. Last evaluated: 2015-03-03. Review status: criteria provided, single submitter. Criteria: GeneDx Variant Classification Process June 2021. Collection method: clinical testing. Allele origin: germline. Affected: yes.

Breakthrough Genomics
Classification: Benign. Review status: criteria provided, single submitter. Criteria: ACMG Guidelines, 2015. Collection method: not provided. Allele origin: germline. Inheritance: Autosomal recessive inheritance. Affected: yes.

PreventionGenetics, part of Exact Sciences
Classification: Benign. Review status: criteria provided, single submitter. Criteria: ACMG Guidelines, 2015. Collection method: clinical testing. Allele origin: germline.

NM_001814.6(CTSC):c.-18T>C

Genes: CTSC (cathepsin C; minus strand), LOC130006572 (ATAC-STARR-seq lymphoblastoid active region 5382; plus strand). Cytogenetic location: 11q14.2.
Variant type: single nucleotide variant.
Coding change: c.-18T>C on transcript NM_001814.6 (MANE Select); 18 bases upstream of the start codon, T replaced by C.
Molecular consequence: 5 prime UTR variant.
Genome position (GRCh38, 1-based): chr11:88,337,690, A>G on the plus strand (T>C on the coding strand, the complement: CTSC is on the minus strand). VCF-style: chr11-88337690-A-G. GRCh37 (hg19) VCF-style: chr11-88070858-A-G.
Other names: c.-18T>C (NM_001114173.3, NM_148170.5, LRG_50t1).
Identifiers: ClinVar variation 258188 (VCV000258188.10), dbSNP rs11019400, ClinGen allele CA6220174.